The following is an entry in ClinVar:

ClinVar aggregate classification (germline): Likely benign (1 of 4 stars; one submission).

gnomAD v4.1: 2 of 1,595,364 alleles (0.00013%); highest among the groups gnomAD compares: Non-Finnish European, 0.00017%; no homozygotes.

Submission:

CeGaT Center for Human Genetics Tuebingen
Classification: Likely benign. Last evaluated: 2023-03-01. Review status: criteria provided, single submitter. Criteria: CeGaT Center For Human Genetics Tuebingen Variant Classification Criteria Version 2. Collection method: clinical testing. Allele origin: germline. Affected: yes. Observed: 1 variant allele.
Comment: FAT4: BP4, BP7

NM_001291303.3(FAT4):c.780T>G (p.Pro260=)

Gene: FAT4 (FAT atypical cadherin 4; plus strand). Cytogenetic location: 4q28.1.
Variant type: single nucleotide variant.
Coding change: c.780T>G on transcript NM_001291303.3 (MANE Select); coding-DNA position 780, T replaced by G.
Protein change: p.Pro260=; no amino-acid change (proline 260 retained).
Molecular consequence: synonymous variant.
Genome position (GRCh38, 1-based): chr4:125,317,191, T>G. VCF-style: chr4-125317191-T-G. GRCh37 (hg19) VCF-style: chr4-126238346-T-G.
Other names: c.780T>G, p.Pro260= (NM_001291285.3, NM_024582.6).
Identifiers: ClinVar variation 2655076 (VCV002655076.24), dbSNP rs756940330, ClinGen allele CA441366435.
Genomic context (GRCh38, chr4:125,317,191, plus strand): 5'-GCAAGACATTAATGACAACCCCCCGGTTTTTGGCAGTTCTCACTACCAGGCGGGGGTGCC[T>G]GAGGACGCGGTTGTGGGTTCCAGCGTCCTCCAGGTGGCGGCGGCGGACGCGGACGAGGGC-3'
Protein context (NP_001278232.1, residues 250-270): FGSSHYQAGV[Pro260=]EDAVVGSSVL